The following is an entry in ClinVar:

ClinVar aggregate classification (germline): Uncertain significance (1 of 4 stars; one submission).

gnomAD v4.1: 45 of 1,613,828 alleles (0.0028%); highest among the groups gnomAD compares: Non-Finnish European, 0.0037%; no homozygotes.

Submission:

Labcorp Genetics (formerly Invitae), Labcorp
Classification: Uncertain significance. Last evaluated: 2024-02-26. Review status: criteria provided, single submitter. Criteria: Invitae Variant Classification Sherloc (09022015). Collection method: clinical testing. Allele origin: germline.
Comment: This sequence change replaces histidine, which is basic and polar, with glutamine, which is neutral and polar, at codon 656 of the ITGAM protein (p.His656Gln). This variant is present in population databases (rs371102326, gnomAD 0.0009%). This variant has not been reported in the literature in individuals affected with ITGAM-related conditions. Algorithms developed to predict the effect of missense changes on protein structure and function output the following: SIFT: "Not Available"; PolyPhen-2: "Benign"; Align-GVGD: "Not Available". The glutamine amino acid residue is found in multiple mammalian species, which suggests that this missense change does not adversely affect protein function. In summary, the available evidence is currently insufficient to determine the role of this variant in disease. Therefore, it has been classified as a Variant of Uncertain Significance.

NM_000632.4(ITGAM):c.1968T>A (p.His656Gln)

Gene: ITGAM (integrin subunit alpha M; plus strand). Cytogenetic location: 16p11.2.
Variant type: single nucleotide variant.
Coding change: c.1968T>A on transcript NM_000632.4 (MANE Select); coding-DNA position 1968, T replaced by A.
Protein change: p.His656Gln; replaces histidine 656 with glutamine.
Molecular consequence: missense variant.
Genome position (GRCh38, 1-based): chr16:31,321,593, T>A. VCF-style: chr16-31321593-T-A. GRCh37 (hg19) VCF-style: chr16-31332914-T-A.
Other names: c.1971T>A, p.His657Gln (NM_001145808.2); short protein forms H656Q, H657Q.
Identifiers: ClinVar variation 3681750 (VCV003681750.2).